The following is an entry in ClinVar:

NM_002905.5(RDH5):c.521del (p.Gly174fs)

Genes: BLOC1S1-RDH5 (BLOC1S1-RDH5 readthrough; plus strand), RDH5 (retinol dehydrogenase 5; plus strand). Cytogenetic location: 12q13.2.
Variant type: Deletion.
Coding change: c.521del on transcript NM_002905.5 (MANE Select); coding-DNA position 521, one base deleted (G; older notation c.521delG).
Protein change: p.Gly174fs; shifts the reading frame from glycine 174.
Molecular consequence: frameshift variant. On other transcripts: non-coding transcript variant (1).
Genome position (GRCh38, 1-based): chr12:55,721,899, G deleted; the last of 5 consecutive G bases (chr12:55,721,895-55,721,899); deleting any one gives the same sequence. VCF-style (leftmost placement, unchanged base first): chr12-55721894-TG-T. GRCh37 (hg19) VCF-style: chr12-56115678-TG-T.
Other names: c.521del, p.Gly174fs (NM_001199771.3); short protein forms G174fs.
Identifiers: ClinVar variation 2127750 (VCV002127750.4), dbSNP rs1390835981, ClinGen allele CA690144758.

ClinVar aggregate classification (germline): Pathogenic (1 of 4 stars; one submission).

Submission:

Labcorp Genetics (formerly Invitae), Labcorp
Classification: Pathogenic. Last evaluated: 2022-04-18. Review status: criteria provided, single submitter. Criteria: Invitae Variant Classification Sherloc (09022015). Collection method: clinical testing. Allele origin: germline.
Comment: This sequence change creates a premature translational stop signal (p.Gly174Alafs*16) in the RDH5 gene. It is expected to result in an absent or disrupted protein product. Loss-of-function variants in RDH5 are known to be pathogenic (PMID: 11675386, 22815624). For these reasons, this variant has been classified as Pathogenic. This variant has not been reported in the literature in individuals affected with RDH5-related conditions. This variant is not present in population databases (gnomAD no frequency).

Literature cited by the submitters: PubMed 11675386; PubMed 22815624.